The following is an entry in ClinVar:

ClinVar aggregate classification (germline): Uncertain significance (1 of 4 stars; one submission).

Conditions:
Werner syndrome (WRN). Identifiers: Orphanet 902, MedGen C0043119, MONDO:0010196, OMIM 277700.

Allele frequency attached by ClinVar (database versions not stated): gnomAD 0.00001; TOPMed 0.00001; ESP Exome Variant Server 0.00008.
gnomAD v4.1: 2 of 1,614,050 alleles (0.00012%); highest among the groups gnomAD compares: African/African-American, 0.0027%; no homozygotes.

Submission:

Labcorp Genetics (formerly Invitae), Labcorp
Classification: Uncertain significance for Werner syndrome. Last evaluated: 2023-10-14. Review status: criteria provided, single submitter. Criteria: Invitae Variant Classification Sherloc (09022015). Collection method: clinical testing. Allele origin: germline.
Comment: This sequence change falls in intron 25 of the WRN gene. It does not directly change the encoded amino acid sequence of the WRN protein. This variant is not present in population databases (gnomAD no frequency). This variant has not been reported in the literature in individuals affected with WRN-related conditions. Algorithms developed to predict the effect of sequence changes on RNA splicing suggest that this variant may disrupt the consensus splice site. In summary, the available evidence is currently insufficient to determine the role of this variant in disease. Therefore, it has been classified as a Variant of Uncertain Significance.

NM_000553.6(WRN):c.3139-8T>A

Gene: WRN (WRN RecQ like helicase; plus strand). Cytogenetic location: 8p12.
Variant type: single nucleotide variant.
Coding change: c.3139-8T>A on transcript NM_000553.6 (MANE Select); 8 bases into the intron before coding-DNA position 3139, T replaced by A.
Molecular consequence: intron variant.
Genome position (GRCh38, 1-based): chr8:31,141,673, T>A. VCF-style: chr8-31141673-T-A. GRCh37 (hg19) VCF-style: chr8-30999189-T-A.
Identifiers: ClinVar variation 2724813 (VCV002724813.3), dbSNP rs370163981, ClinGen allele CA174900158.